The following is an entry in ClinVar:

ClinVar aggregate classification (germline): Uncertain significance (1 of 4 stars; one submission).

Conditions:
Retinoblastoma (RB1). Also called: RETINOBLASTOMA, SOMATIC. Identifiers: Orphanet 790, MedGen C0035335, MeSH D012175, MONDO:0008380, OMIM 180200, HP:0009919. Disease mechanism: loss of function. Inheritance: Both sporadic and heritable forms are tested..

Submission:

Labcorp Genetics (formerly Invitae), Labcorp
Classification: Uncertain significance for Retinoblastoma. Last evaluated: 2024-12-10. Review status: criteria provided, single submitter. Criteria: Invitae Variant Classification Sherloc (09022015). Collection method: clinical testing. Allele origin: germline.
Comment: This sequence change replaces valine, which is neutral and non-polar, with isoleucine, which is neutral and non-polar, at codon 725 of the RB1 protein (p.Val725Ile). This variant is not present in population databases (gnomAD no frequency). This variant has not been reported in the literature in individuals affected with RB1-related conditions. Invitae Evidence Modeling of protein sequence and biophysical properties (such as structural, functional, and spatial information, amino acid conservation, physicochemical variation, residue mobility, and thermodynamic stability) indicates that this missense variant is not expected to disrupt RB1 protein function with a negative predictive value of 80%. In summary, the available evidence is currently insufficient to determine the role of this variant in disease. Therefore, it has been classified as a Variant of Uncertain Significance.

NM_000321.3(RB1):c.2173G>A (p.Val725Ile)

Gene: RB1 (RB transcriptional corepressor 1; plus strand). Cytogenetic location: 13q14.2.
Variant type: single nucleotide variant.
Coding change: c.2173G>A on transcript NM_000321.3 (MANE Select); coding-DNA position 2173, G replaced by A.
Protein change: p.Val725Ile; replaces valine 725 with isoleucine.
Molecular consequence: missense variant.
Genome position (GRCh38, 1-based): chr13:48,463,797, G>A. VCF-style: chr13-48463797-G-A. GRCh37 (hg19) VCF-style: chr13-49037933-G-A.
Other names: c.2173G>A, p.Val725Ile (NM_001407165.1); short protein forms V725I.
Identifiers: ClinVar variation 3665310 (VCV003665310.2).
Genomic context (GRCh38, chr13:48,463,797, plus strand): 5'-ATGTGTTCCATGTATGGCATATGCAAAGTGAAGAATATAGACCTTAAATTCAAAATCATT[G>A]TAACAGCATACAAGGATCTTCCTCATGCTGTTCAGGAGGTAGGTAATTTTCCATAGTAAG-3'
Protein context (NP_000312.2, residues 715-735): KNIDLKFKII[Val725Ile]TAYKDLPHAV